The following is an entry in ClinVar:

ClinVar aggregate classification (germline): Uncertain significance (1 of 4 stars; one submission).

Allele frequency attached by ClinVar (database versions not stated): gnomAD 0.00001; TOPMed 0.00001.
gnomAD v4.1: 4 of 1,612,680 alleles (0.00025%); highest among the groups gnomAD compares: Non-Finnish European, 0.00034%; no homozygotes.

Submission:

Laboratory for Molecular Medicine, Mass General Brigham Personalized Medicine
Classification: Uncertain significance. Last evaluated: 2016-01-05. Review status: criteria provided, single submitter. Criteria: LMM Criteria. Collection method: clinical testing. Allele origin: germline. Observed: 1 variant allele.
Comment: The p.Thr1002Asn variant in MYO15A has not been previously reported in individua ls with hearing loss and was absent from large population studies. Computational prediction tools and conservation analysis do not provide strong support for or against an impact to the protein. In summary, the clinical significance of the p.Thr1002Asn variant is uncertain.

NM_016239.4(MYO15A):c.3005C>A (p.Thr1002Asn)

Gene: MYO15A (myosin XVA; plus strand). Cytogenetic location: 17p11.2.
Variant type: single nucleotide variant.
Coding change: c.3005C>A on transcript NM_016239.4 (MANE Select); coding-DNA position 3005, C replaced by A.
Protein change: p.Thr1002Asn; replaces threonine 1002 with asparagine.
Molecular consequence: missense variant.
Genome position (GRCh38, 1-based): chr17:18,121,805, C>A. VCF-style: chr17-18121805-C-A. GRCh37 (hg19) VCF-style: chr17-18025119-C-A.
Other names: short protein forms T1002N.
Identifiers: ClinVar variation 228946 (VCV000228946.4), dbSNP rs758747812, ClinGen allele CA10577015.
Genomic context (GRCh38, chr17:18,121,805, plus strand): 5'-CTGCTGATATGACCAGGGTCTTCCTGGGCAGACACCATGAGCCGGGGCCTGGACAGCTCA[C>A]CAAATCAGCTGGCCCAACCCCTGAGAAGCCTGAAGAAGAGGCCACCCTGGGGGACCCCCA-3'
Protein context (NP_057323.3, residues 992-1012): RHHEPGPGQL[Thr1002Asn]KSAGPTPEKP